The following is an entry in ClinVar:

NM_000038.6(APC):c.640G>C (p.Ala214Pro)

Gene: APC (APC regulator of Wnt signaling pathway; plus strand). Cytogenetic location: 5q22.2.
Variant type: single nucleotide variant.
Coding change: c.640G>C on transcript NM_000038.6 (MANE Select); coding-DNA position 640, G replaced by C.
Protein change: p.Ala214Pro; replaces alanine 214 with proline.
Molecular consequence: missense variant. On other transcripts: 5 prime UTR variant (1).
Genome position (GRCh38, 1-based): chr5:112,780,898, G>C. VCF-style: chr5-112780898-G-C. GRCh37 (hg19) VCF-style: chr5-112116595-G-C.
Other names: c.640G>C, p.Ala214Pro (NM_001127510.3, NM_001354895.2, NM_001354896.2 and 2 more transcripts); c.670G>C, p.Ala224Pro (NM_001127511.3, NM_001354897.2, NM_001354902.2); c.565G>C, p.Ala189Pro (NM_001354898.2, NM_001354904.2); c.463G>C, p.Ala155Pro (NM_001354900.2, NM_001354901.2, NM_001354905.2); c.-396G>C (NM_001354906.2); short protein forms A224P, A155P, A189P, A214P.
Identifiers: ClinVar variation 826389 (VCV000826389.14), dbSNP rs1580380433, ClinGen allele CA16022739.

ClinVar aggregate classification (germline): Uncertain significance. Review status: criteria provided, multiple submitters, no conflicts (2 of 4 stars). 2 submissions from 2 submitters: Uncertain significance (2). Last evaluated 2024-04-25.

Conditions:
Hereditary cancer-predisposing syndrome. Also called: Neoplastic Syndromes, Hereditary; Tumor predisposition; Hereditary neoplastic syndrome; Hereditary Cancer Syndrome. Identifiers: Orphanet 140162, MedGen C0027672, MeSH D009386, MONDO:0015356.
Familial adenomatous polyposis 1 (FAP1). Also called: POLYPOSIS, ADENOMATOUS INTESTINAL; FAMILIAL ADENOMATOUS POLYPOSIS 1, ATTENUATED. Identifiers: MedGen C2713442, MONDO:0021056, OMIM 175100. Disease mechanism: loss of function.

Submissions (2):

Labcorp Genetics (formerly Invitae), Labcorp
Classification: Uncertain significance for Familial adenomatous polyposis 1. Last evaluated: 2024-04-25. Review status: criteria provided, single submitter. Criteria: Invitae Variant Classification Sherloc (09022015). Collection method: clinical testing. Allele origin: germline.
Comment: This sequence change replaces alanine, which is neutral and non-polar, with proline, which is neutral and non-polar, at codon 214 of the APC protein (p.Ala214Pro). This variant is not present in population databases (gnomAD no frequency). This variant has not been reported in the literature in individuals affected with APC-related conditions. ClinVar contains an entry for this variant (Variation ID: 826389). Advanced modeling of protein sequence and biophysical properties (such as structural, functional, and spatial information, amino acid conservation, physicochemical variation, residue mobility, and thermodynamic stability) performed at Invitae indicates that this missense variant is not expected to disrupt APC protein function with a negative predictive value of 95%. In summary, the available evidence is currently insufficient to determine the role of this variant in disease. Therefore, it has been classified as a Variant of Uncertain Significance.

Ambry Genetics
Classification: Uncertain significance for Hereditary cancer-predisposing syndrome. Last evaluated: 2024-01-19. Review status: criteria provided, single submitter. Criteria: Ambry Variant Classification Scheme 2023. Collection method: clinical testing. Allele origin: germline.
Comment: The p.A214P variant (also known as c.640G>C), located in coding exon 5 of the APC gene, results from a G to C substitution at nucleotide position 640. The alanine at codon 214 is replaced by proline, an amino acid with highly similar properties. This amino acid position is highly conserved in available vertebrate species. In addition, in silico predictors for this gene do not accurately predict pathogenicity. Since supporting evidence is limited at this time, the clinical significance of this alteration remains unclear.